The following is an entry in ClinVar:

ClinVar aggregate classification (germline): Uncertain significance (1 of 4 stars; one submission).

Submission:

Ambry Genetics
Classification: Uncertain significance. Last evaluated: 2024-10-15. Review status: criteria provided, single submitter. Criteria: Ambry Variant Classification Scheme 2023. Collection method: clinical testing. Allele origin: germline.
Comment: The p.C438R variant (also known as c.1312T>C), located in coding exon 13 of the NPAT gene, results from a T to C substitution at nucleotide position 1312. The cysteine at codon 438 is replaced by arginine, an amino acid with highly dissimilar properties. This amino acid position is conserved. In addition, this alteration is predicted to be tolerated by in silico analysis. Based on the available evidence, the clinical significance of this variant remains unclear.

NM_002519.3(NPAT):c.1312T>C (p.Cys438Arg)

Gene: NPAT (nuclear protein, coactivator of histone transcription; minus strand). Cytogenetic location: 11q22.3.
Variant type: single nucleotide variant.
Coding change: c.1312T>C on transcript NM_002519.3 (MANE Select); coding-DNA position 1312, T replaced by C.
Protein change: p.Cys438Arg; replaces cysteine 438 with arginine.
Molecular consequence: missense variant.
Genome position (GRCh38, 1-based): chr11:108,173,672, A>G on the plus strand (T>C on the coding strand, the complement: NPAT is on the minus strand). VCF-style: chr11-108173672-A-G. GRCh37 (hg19) VCF-style: chr11-108044399-A-G.
Other names: c.1312T>C, p.Cys438Arg (NM_001321307.1); short protein forms C438R.
Identifiers: ClinVar variation 3407241 (VCV003407241.1).